The following is an entry in ClinVar:

ClinVar aggregate classification (germline): Benign. Review status: criteria provided, multiple submitters, no conflicts (2 of 4 stars). 4 submissions from 4 submitters: Benign (3). 1 of the submissions does not count toward it. Last evaluated 2025-10-11.

Conditions:
Maple syrup urine disease type 1A (MSUD1A). Also called: MSUD type 1A. Identifiers: MedGen C1855369, MONDO:0023691, OMIM 248600.
DBT-related disorder. Also called: DBT-related condition.
Maple syrup urine disease (MSUD). Identifiers: Orphanet 511, MedGen C0024776, MeSH D008375, MONDO:0009563. Disease mechanism: loss of function.

Submissions (4):

Labcorp Genetics (formerly Invitae), Labcorp
Classification: Benign for Maple syrup urine disease. Last evaluated: 2025-10-11. Review status: criteria provided, single submitter. Criteria: Invitae Variant Classification Sherloc (09022015). Collection method: clinical testing. Allele origin: germline.

ARUP Laboratories, Molecular Genetics and Genomics, ARUP Laboratories
Classification: Benign for Maple syrup urine disease type 1A. Last evaluated: 2023-10-19. Review status: criteria provided, single submitter. Criteria: ARUP Molecular Germline Variant Investigation Process 2024. Collection method: clinical testing. Allele origin: germline.

Genome-Nilou Lab
Classification: Benign for Maple syrup urine disease type 1A. Last evaluated: 2023-04-11. Review status: criteria provided, single submitter. Criteria: ACMG Guidelines, 2015. Collection method: clinical testing. Allele origin: germline. Affected: no.

PreventionGenetics, part of Exact Sciences
Classification: Likely benign for DBT-related condition. Last evaluated: 2023-02-07. Review status: no assertion criteria provided. Collection method: clinical testing. Allele origin: germline. Not counted in ClinVar's aggregate classification.
Comment: This variant is classified as likely benign based on ACMG/AMP sequence variant interpretation guidelines (Richards et al. 2015 PMID: 25741868, with internal and published modifications).

NM_001918.5(DBT):c.1282-14_1282-9del

Gene: DBT (dihydrolipoamide branched chain transacylase E2; minus strand). Cytogenetic location: 1p21.2.
Variant type: Deletion.
Coding change: c.1282-14_1282-9del on transcript NM_001918.5 (MANE Select); 14 bases into the intron before coding-DNA position 1282 through 9 bases into the intron before coding-DNA position 1282, 6 bases deleted (TTTTTC; older notation c.1282-14_1282-9delTTTTTC).
Molecular consequence: intron variant.
Genome position (GRCh38, 1-based): chr1:100,196,431-100,196,436, GAAAAA deleted on the plus strand (TTTTTC on the coding strand, the reverse complement: DBT is on the minus strand). VCF-style (leftmost placement, unchanged base first): chr1-100196430-TGAAAAA-T. GRCh37 (hg19) VCF-style: chr1-100661986-TGAAAAA-T.
Other names: c.1282-14_1282-9del6 (NM_001918.3).
Identifiers: ClinVar variation 439589 (VCV000439589.23), dbSNP rs760164623, ClinGen allele CA27599160.